The following is an entry in ClinVar:

NM_004356.4(CD81):c.280-1del

Genes: CD81 (CD81 molecule; plus strand), LOC130005139 (ATAC-STARR-seq lymphoblastoid active region 4300; plus strand). Cytogenetic location: 11p15.5.
Variant type: Deletion.
Coding change: c.280-1del on transcript NM_004356.4 (MANE Select); the canonical splice acceptor site of the intron before coding-DNA position 280, one base deleted (G; older notation c.280-1delG).
Molecular consequence: splice acceptor variant. On other transcripts: frameshift variant (1).
Genome position (GRCh38, 1-based): chr11:2,394,971, G deleted. VCF-style (leftmost placement, unchanged base first): chr11-2394970-AG-A. GRCh37 (hg19) VCF-style: chr11-2416200-AG-A.
Other names: c.402del, p.Gln134fs (NM_001425135.1); c.67-1del (NM_001425129.1, NM_001297649.2, NM_001425130.1 and 4 more transcripts); c.280-1del (NM_001425137.1); short protein forms Q134fs.
Identifiers: ClinVar variation 4719762 (VCV004719762.1).

ClinVar aggregate classification (germline): Uncertain significance (1 of 4 stars; one submission).

Submission:

Labcorp Genetics (formerly Invitae), Labcorp
Classification: Uncertain significance. Last evaluated: 2025-08-22. Review status: criteria provided, single submitter. Criteria: Invitae Variant Classification Sherloc (09022015). Collection method: clinical testing. Allele origin: germline.
Comment: This sequence change affects a splice site in intron 3 of the CD81 gene. It is expected to disrupt RNA splicing. Variants that disrupt the donor or acceptor splice site typically lead to a loss of protein function (PMID: 16199547), however the current clinical and genetic evidence is not sufficient to establish whether loss-of-function variants in CD81 cause disease. This variant is not present in population databases (gnomAD no frequency). This variant has not been reported in the literature in individuals affected with CD81-related conditions. Algorithms developed to predict the effect of sequence changes on RNA splicing suggest that this variant may disrupt the consensus splice site. In summary, the available evidence is currently insufficient to determine the role of this variant in disease. Therefore, it has been classified as a Variant of Uncertain Significance.

Literature cited by the submitters: PubMed 16199547.